The following is an entry in ClinVar:

NM_016169.4(SUFU):c.392C>T (p.Ser131Phe)

Gene: SUFU (SUFU negative regulator of hedgehog signaling; plus strand). Cytogenetic location: 10q24.32.
Variant type: single nucleotide variant.
Coding change: c.392C>T on transcript NM_016169.4 (MANE Select); coding-DNA position 392, C replaced by T.
Protein change: p.Ser131Phe; replaces serine 131 with phenylalanine.
Molecular consequence: missense variant.
Genome position (GRCh38, 1-based): chr10:102,550,044, C>T. VCF-style: chr10-102550044-C-T. GRCh37 (hg19) VCF-style: chr10-104309801-C-T.
Other names: c.392C>T, p.Ser131Phe (NM_001178133.2); short protein forms S131F.
Identifiers: ClinVar variation 3749701 (VCV003749701.3).

ClinVar aggregate classification (germline): Uncertain significance. Review status: criteria provided, multiple submitters, no conflicts (2 of 4 stars). 2 submissions from 2 submitters: Uncertain significance (2). Last evaluated 2025-12-21.

Conditions:
Hereditary cancer-predisposing syndrome. Also called: Hereditary Cancer Syndrome; Neoplastic Syndromes, Hereditary; Tumor predisposition; Hereditary neoplastic syndrome. Identifiers: Orphanet 140162, MedGen C0027672, MeSH D009386, MONDO:0015356.
Gorlin syndrome. Also called: Nevoid Basal Cell Carcinoma Syndrome; Basal cell nevus syndrome. Identifiers: Orphanet 377, MedGen C0004779, MONDO:0007187.
Medulloblastoma (MDB). Also called: MEDULLOBLASTOMA PREDISPOSITION SYNDROME; Medulloblastoma, somatic. Identifiers: Orphanet 616, MedGen C0025149, MeSH D008527, MONDO:0007959, OMIM 155255, HP:0002885.

Submissions (2):

Ambry Genetics
Classification: Uncertain significance for Hereditary cancer-predisposing syndrome. Last evaluated: 2025-12-21. Review status: criteria provided, single submitter. Criteria: Ambry Variant Classification Scheme 2023. Collection method: clinical testing. Allele origin: germline.
Comment: The p.S131F variant (also known as c.392C>T), located in coding exon 3 of the SUFU gene, results from a C to T substitution at nucleotide position 392. The serine at codon 131 is replaced by phenylalanine, an amino acid with highly dissimilar properties. This amino acid position is conserved. In addition, the in silico prediction for this alteration is inconclusive. Based on the available evidence, the clinical significance of this variant remains unclear.

Labcorp Genetics (formerly Invitae), Labcorp
Classification: Uncertain significance for Gorlin syndrome; Medulloblastoma. Last evaluated: 2024-05-28. Review status: criteria provided, single submitter. Criteria: Invitae Variant Classification Sherloc (09022015). Collection method: clinical testing. Allele origin: germline.
Comment: This sequence change replaces serine, which is neutral and polar, with phenylalanine, which is neutral and non-polar, at codon 131 of the SUFU protein (p.Ser131Phe). This variant is not present in population databases (gnomAD no frequency). This variant has not been reported in the literature in individuals affected with SUFU-related conditions. Advanced modeling of protein sequence and biophysical properties (such as structural, functional, and spatial information, amino acid conservation, physicochemical variation, residue mobility, and thermodynamic stability) performed at Invitae indicates that this missense variant is not expected to disrupt SUFU protein function with a negative predictive value of 80%. In summary, the available evidence is currently insufficient to determine the role of this variant in disease. Therefore, it has been classified as a Variant of Uncertain Significance.